The following is an entry in ClinVar:

NM_000453.3(SLC5A5):c.*987G>C

Gene: SLC5A5 (solute carrier family 5 member 5; plus strand). Cytogenetic location: 19p13.11.
Variant type: single nucleotide variant.
Coding change: c.*987G>C on transcript NM_000453.3 (MANE Select); 987 bases downstream of the stop codon, G replaced by C.
Molecular consequence: 3 prime UTR variant.
Genome position (GRCh38, 1-based): chr19:17,894,864, G>C. VCF-style: chr19-17894864-G-C. GRCh37 (hg19) VCF-style: chr19-18005673-G-C.
Identifiers: ClinVar variation 891741 (VCV000891741.4), dbSNP rs76103356, ClinGen allele CA306123729.

ClinVar aggregate classification (germline): Likely benign (1 of 4 stars; one submission).

Conditions:
Thyroid dyshormonogenesis 1. Also called: HYPOTHYROIDISM, CONGENITAL, DUE TO DYSHORMONOGENESIS, 1; IODINE ACCUMULATION, TRANSPORT, OR TRAPPING DEFECT; THYROID HORMONOGENESIS, GENETIC DEFECT IN, 1; Familial thyroid dyshormonogenesis 1. Identifiers: Orphanet 95716, MedGen C1848805, MONDO:0020716, OMIM 274400.

Allele frequency attached by ClinVar (database versions not stated): gnomAD 0.02387 and 0.02581; 1000 Genomes Project 0.02396; 1000 Genomes Project 30x 0.02514; TOPMed 0.02766.

Submission:

Illumina Laboratory Services, Illumina
Classification: Likely benign for Thyroid dyshormonogenesis 1. Last evaluated: 2018-01-12. Review status: criteria provided, single submitter. Criteria: ICSL Variant Classification Criteria 13 December 2019. Collection method: clinical testing. Allele origin: germline.
Comment: This variant was observed in the ICSL laboratory as part of a predisposition screen in an ostensibly healthy population. It had not been previously curated by ICSL or reported in the Human Gene Mutation Database (HGMD: prior to June 1st, 2018), and was therefore a candidate for classification through an automated scoring system. Utilizing variant allele frequency, disease prevalence and penetrance estimates, and inheritance mode, an automated score was calculated to assess if this variant is too frequent to cause the disease. Based on the score and internal cut-off values, a variant classified as likely benign is not then subjected to further curation. The score for this variant resulted in a classification of likely benign for this disease.